The following is an entry in ClinVar:

ClinVar aggregate classification (germline): Uncertain significance (1 of 4 stars; one submission).

Submission:

Dasa
Classification: Uncertain significance. Last evaluated: 2024-12-17. Review status: criteria provided, single submitter. Criteria: DASA Assertion Criteria. Collection method: clinical testing. Allele origin: germline.
Comment: NM_032590.5(KDM2B):c.3241G>T (p.Asp1081Tyr) is a missense variant that results in the substitution of aspartic acid with tyrosine. This variant is absent from population databases. Computational prediction algorithms are consistent with a benign effect. The currently available literature and clinical evidence are not sufficient to establish a definitive association between this variant and the reported condition. Therefore, this variant is classified as a variant of uncertain significance.

NM_032590.5(KDM2B):c.3241G>T (p.Asp1081Tyr)

Gene: KDM2B (lysine demethylase 2B; minus strand). Cytogenetic location: 12q24.31.
Variant type: single nucleotide variant.
Coding change: c.3241G>T on transcript NM_032590.5 (MANE Select); coding-DNA position 3241, G replaced by T.
Protein change: p.Asp1081Tyr; replaces aspartic acid 1081 with tyrosine.
Molecular consequence: missense variant.
Genome position (GRCh38, 1-based): chr12:121,442,200, C>A on the plus strand (G>T on the coding strand, the complement: KDM2B is on the minus strand). VCF-style: chr12-121442200-C-A. GRCh37 (hg19) VCF-style: chr12-121880003-C-A.
Other names: c.3034G>T, p.Asp1012Tyr (NM_001005366.2); c.3337G>T, p.Asp1113Tyr (NM_001439014.1, NM_001439015.1); c.3319G>T, p.Asp1107Tyr (NM_001439016.1); c.3241G>T, p.Asp1081Tyr (NM_001439017.1, NM_001439018.1); c.3226G>T, p.Asp1076Tyr (NM_001439020.1); c.3208G>T, p.Asp1070Tyr (NM_001439021.1); c.3178G>T, p.Asp1060Tyr (NM_001439022.1, NM_001439023.1); c.3148G>T, p.Asp1050Tyr (NM_001439025.1, NM_001439026.1); and 3 more; short protein forms D1012Y, D1022Y, D1044Y, D1050Y, D1060Y, D1070Y, D1076Y, D1081Y.
Identifiers: ClinVar variation 4885711 (VCV004885711.2).
Genomic context (GRCh38, chr12:121,442,200, plus strand): 5'-CACAGGCCGCCGCTCACCAGCGGTTCCAGGTCCTGCAGACCCGCATGCACACACACAGGT[C>A]TTGGTGGCTGAGGTAGCTGAAGACGGCCATCCACACCTCCCTGTGCATGACGTGGGCTGC-3'
Protein context (NP_115979.3, residues 1071-1091): MAVFSYLSHQ[Asp1081Tyr]LCVCMRVCRT